The following is an entry in ClinVar:

ClinVar aggregate classification (germline): Uncertain significance. Review status: criteria provided, multiple submitters, no conflicts (2 of 4 stars). 3 submissions from 3 submitters: Uncertain significance (3). Last evaluated 2026-06-05.

Conditions:
Ullrich congenital muscular dystrophy 2 (UCMD2). Identifiers: Orphanet 75840, MedGen C4225314, MONDO:0014654, OMIM 616470.
Bethlem myopathy 2 (BTHLM2). Identifiers: Orphanet 536516, Orphanet 610, MedGen C4225313, MONDO:0034022, OMIM 616471.

Submissions (3):

Women's Health and Genetics/Laboratory Corporation of America, LabCorp
Classification: Uncertain significance. Last evaluated: 2026-06-05. Review status: criteria provided, single submitter. Criteria: LabCorp Variant Classification Summary - May 2015. Collection method: clinical testing. Allele origin: germline.
Comment: Variant summary: COL12A1 c.5380G>A (p.Gly1794Ser) results in a non-conservative amino acid change in the encoded protein sequence. Algorithms developed to predict the effect of missense changes on protein structure and function are either unavailable or do not agree on the potential impact of this missense change. The variant was absent in 237128 control chromosomes. The available data on variant occurrences in the general population are insufficient to allow any conclusion about variant significance. To our knowledge, no occurrence of c.5380G>A in individuals affected with COL12A1-related conditions and no experimental evidence demonstrating its impact on protein function have been reported. ClinVar contains an entry for this variant (Variation ID: 1518120). Based on the evidence outlined above, the variant was classified as uncertain significance.

GeneDx
Classification: Uncertain significance. Last evaluated: 2024-01-04. Review status: criteria provided, single submitter. Criteria: GeneDx Variant Classification Process June 2021. Collection method: clinical testing. Allele origin: germline. Affected: yes.
Comment: Not observed at significant frequency in large population cohorts (gnomAD); In silico analysis supports that this missense variant does not alter protein structure/function; Has not been previously published as pathogenic or benign to our knowledge

Labcorp Genetics (formerly Invitae), Labcorp
Classification: Uncertain significance for Bethlem myopathy 2; Ullrich congenital muscular dystrophy 2. Last evaluated: 2022-11-08. Review status: criteria provided, single submitter. Criteria: Invitae Variant Classification Sherloc (09022015). Collection method: clinical testing. Allele origin: germline.
Comment: In summary, the available evidence is currently insufficient to determine the role of this variant in disease. Therefore, it has been classified as a Variant of Uncertain Significance. Advanced modeling of protein sequence and biophysical properties (such as structural, functional, and spatial information, amino acid conservation, physicochemical variation, residue mobility, and thermodynamic stability) performed at Invitae indicates that this missense variant is not expected to disrupt COL12A1 protein function. ClinVar contains an entry for this variant (Variation ID: 1518120). This variant has not been reported in the literature in individuals affected with COL12A1-related conditions. This variant is not present in population databases (gnomAD no frequency). This sequence change replaces glycine, which is neutral and non-polar, with serine, which is neutral and polar, at codon 1794 of the COL12A1 protein (p.Gly1794Ser).

NM_004370.6(COL12A1):c.5380G>A (p.Gly1794Ser)

Gene: COL12A1 (collagen type XII alpha 1 chain; minus strand). Cytogenetic location: 6q13.
Variant type: single nucleotide variant.
Coding change: c.5380G>A on transcript NM_004370.6 (MANE Select); coding-DNA position 5380, G replaced by A.
Protein change: p.Gly1794Ser; replaces glycine 1794 with serine.
Molecular consequence: missense variant.
Genome position (GRCh38, 1-based): chr6:75,137,451, C>T on the plus strand (G>A on the coding strand, the complement: COL12A1 is on the minus strand). VCF-style: chr6-75137451-C-T. GRCh37 (hg19) VCF-style: chr6-75847167-C-T.
Other names: c.1888G>A, p.Gly630Ser (NM_080645.3); c.5380G>A (NM_004370.5); short protein forms G1794S, G630S.
Identifiers: ClinVar variation 1518120 (VCV001518120.12), dbSNP rs2149394149, ClinGen allele CA364737288.